The following is an entry in ClinVar:

NM_000051.4(ATM):c.2701C>G (p.Leu901Val)

Gene: ATM (ATM serine/threonine kinase; plus strand). Cytogenetic location: 11q22.3.
Variant type: single nucleotide variant.
Coding change: c.2701C>G on transcript NM_000051.4 (MANE Select); coding-DNA position 2701, C replaced by G.
Protein change: p.Leu901Val; replaces leucine 901 with valine.
Molecular consequence: missense variant.
Genome position (GRCh38, 1-based): chr11:108,268,472, C>G. VCF-style: chr11-108268472-C-G. GRCh37 (hg19) VCF-style: chr11-108139199-C-G.
Other names: c.2701C>G, p.Leu901Val (NM_001351834.2); short protein forms L901V.
Identifiers: ClinVar variation 3232621 (VCV003232621.1), dbSNP rs863224559, ClinGen allele CA382545233.

ClinVar aggregate classification (germline): Uncertain significance (1 of 4 stars; one submission).

Conditions:
Hereditary cancer-predisposing syndrome. Also called: Neoplastic Syndromes, Hereditary; Tumor predisposition; Hereditary neoplastic syndrome; Hereditary Cancer Syndrome. Identifiers: Orphanet 140162, MedGen C0027672, MeSH D009386, MONDO:0015356.

Submission:

Ambry Genetics
Classification: Uncertain significance for Hereditary cancer-predisposing syndrome. Last evaluated: 2023-10-06. Review status: criteria provided, single submitter. Criteria: Ambry Variant Classification Scheme 2023. Collection method: clinical testing. Allele origin: germline.
Comment: The p.L901V variant (also known as c.2701C>G), located in coding exon 17 of the ATM gene, results from a C to G substitution at nucleotide position 2701. The leucine at codon 901 is replaced by valine, an amino acid with highly similar properties. This amino acid position is conserved. In addition, this alteration is predicted to be tolerated by in silico analysis. Since supporting evidence is limited at this time, the clinical significance of this alteration remains unclear.